The following is an entry in ClinVar:

ClinVar aggregate classification (germline): Pathogenic/Likely pathogenic. Review status: criteria provided, multiple submitters, no conflicts (2 of 4 stars). 4 submissions from 4 submitters: Pathogenic (2); Likely pathogenic (2). Last evaluated 2024-02-25.

Conditions:
Aspartylglucosaminuria (AGU). Also called: AGA DEFICIENCY; GLYCOASPARAGINASE; GLYCOSYLASPARAGINASE DEFICIENCY; Aspartylglucos-aminuria; Aspartylglucos-amidase (AGA) deficiency. Identifiers: Orphanet 93, MedGen C0268225, MONDO:0008830, OMIM 208400, HP:0012068.

gnomAD v4.1: 8 of 1,614,126 alleles (0.0005%); highest among the groups gnomAD compares: East Asian, 0.0022%; no homozygotes.

Submissions (4):

Labcorp Genetics (formerly Invitae), Labcorp
Classification: Pathogenic for Aspartylglucosaminuria. Last evaluated: 2024-02-25. Review status: criteria provided, single submitter. Criteria: Invitae Variant Classification Sherloc (09022015). Collection method: clinical testing. Allele origin: germline.
Comment: This sequence change creates a premature translational stop signal (p.Gln18*) in the AGA gene. It is expected to result in an absent or disrupted protein product. Loss-of-function variants in AGA are known to be pathogenic (PMID: 7627186, 11309371). This variant is present in population databases (rs201701066, gnomAD 0.0009%). This variant has not been reported in the literature in individuals affected with AGA-related conditions. ClinVar contains an entry for this variant (Variation ID: 2444302). For these reasons, this variant has been classified as Pathogenic.

Baylor Genetics
Classification: Likely pathogenic for Aspartylglucosaminuria. Last evaluated: 2024-02-21. Review status: criteria provided, single submitter. Criteria: ACMG Guidelines, 2015. Collection method: clinical testing. Allele origin: unknown.

3billion
Classification: Pathogenic for Aspartylglucosaminuria. Last evaluated: 2023-02-23. Review status: criteria provided, single submitter. Criteria: ACMG Guidelines, 2015. Collection method: clinical testing. Allele origin: unknown. Affected: yes.
Comment: The variant is observed at an extremely low frequency in the gnomAD v2.1.1 dataset (total allele frequency: <0.001%). This variant was predicted to result in a loss or disruption of normal protein function through nonsense-mediated decay (NMD) or protein truncation. Multiple pathogenic variants are reported downstream of the variant. Therefore, this variant is classified as Pathogenic according to the recommendation of ACMG/AMP guideline.

Juno Genomics, Hangzhou Juno Genomics, Inc
Classification: Likely pathogenic for Aspartylglucosaminuria. Review status: criteria provided, single submitter. Criteria: ACMG Guidelines, 2015. Collection method: clinical testing. Allele origin: germline.
Comment: Absent from controls (or at extremely low frequency if recessive) in Genome Aggregation Database.;Null variant in a gene where loss of function (LOF) is a known mechanism of disease.

Literature cited by the submitters: PubMed 7627186 (cited by Labcorp Genetics (formerly Invitae), Labcorp); PubMed 11309371 (cited by Labcorp Genetics (formerly Invitae), Labcorp).

NM_000027.4(AGA):c.52C>T (p.Gln18Ter)

Gene: AGA (aspartylglucosaminidase; minus strand). Cytogenetic location: 4q34.3.
Variant type: single nucleotide variant.
Coding change: c.52C>T on transcript NM_000027.4 (MANE Select); coding-DNA position 52, C replaced by T.
Protein change: p.Gln18Ter; replaces glutamine 18 with a stop codon.
Molecular consequence: nonsense. On other transcripts: non-coding transcript variant (1).
Genome position (GRCh38, 1-based): chr4:177,442,324, G>A on the plus strand (C>T on the coding strand, the complement: AGA is on the minus strand). VCF-style: chr4-177442324-G-A. GRCh37 (hg19) VCF-style: chr4-178363478-G-A.
Other names: c.52C>T, p.Gln18Ter (NM_001171988.2); short protein forms Q18*.
Identifiers: ClinVar variation 2444302 (VCV002444302.7), dbSNP rs201701066, ClinGen allele CA3147065.
Genomic context (GRCh38, chr4:177,442,324, plus strand): 5'-TCTTAAAGGGCCAAGTGTTGACGACCAGGGGCAGAGGGCTGGAGCAGCGCACTAGGGCCT[G>A]GCAGAGCAGAAACGGCACGAGAAGCACAGGCAAGTTCGACTTCCGCGCCATCCCTGACCA-3'